The following is an entry in ClinVar:

ClinVar aggregate classification (germline): Uncertain significance (1 of 4 stars; one submission).

Submission:

Labcorp Genetics (formerly Invitae), Labcorp
Classification: Uncertain significance. Last evaluated: 2022-04-28. Review status: criteria provided, single submitter. Criteria: Invitae Variant Classification Sherloc (09022015). Collection method: clinical testing. Allele origin: germline.
Comment: In summary, the available evidence is currently insufficient to determine the role of this variant in disease. Therefore, it has been classified as a Variant of Uncertain Significance. Algorithms developed to predict the effect of missense changes on protein structure and function are either unavailable or do not agree on the potential impact of this missense change (SIFT: "Not Available"; PolyPhen-2: "Benign"; Align-GVGD: "Not Available"). This variant has not been reported in the literature in individuals affected with ADAMTS17-related conditions. This variant is not present in population databases (gnomAD no frequency). This sequence change replaces valine, which is neutral and non-polar, with phenylalanine, which is neutral and non-polar, at codon 591 of the ADAMTS17 protein (p.Val591Phe).

NM_139057.4(ADAMTS17):c.1771G>T (p.Val591Phe)

Gene: ADAMTS17 (ADAM metallopeptidase with thrombospondin type 1 motif 17; minus strand). Cytogenetic location: 15q26.3.
Variant type: single nucleotide variant.
Coding change: c.1771G>T on transcript NM_139057.4 (MANE Select); coding-DNA position 1771, G replaced by T.
Protein change: p.Val591Phe; replaces valine 591 with phenylalanine.
Molecular consequence: missense variant.
Genome position (GRCh38, 1-based): chr15:100,116,964, C>A on the plus strand (G>T on the coding strand, the complement: ADAMTS17 is on the minus strand). VCF-style: chr15-100116964-C-A. GRCh37 (hg19) VCF-style: chr15-100657169-C-A.
Other names: short protein forms V591F.
Identifiers: ClinVar variation 2131418 (VCV002131418.4), dbSNP rs2037174140, ClinGen allele CA393933372.
Genomic context (GRCh38, chr15:100,116,964, plus strand): 5'-CCTGGCACTGCTGGTCCCGGAAGCTGGGCAGACCCTTGGGGCAGGGCAGGTTCTCGCAGA[C>A]CGCATGTTCTACACTGGCACCCGGGCAGTGTGTGCCTCCAGGCCCAGGGCTAGAAGGAAG-3'
Protein context (NP_620688.2, residues 581-601): HCPGASVEHA[Val591Phe]CENLPCPKGL